The following is an entry in ClinVar:

ClinVar aggregate classification (germline): Conflicting classifications of pathogenicity. Review status: criteria provided, conflicting classifications (1 of 4 stars). 2 submissions from 2 submitters: Uncertain significance (1); Likely benign (1). Last evaluated 2025-09-01.

Conditions:
Inborn genetic diseases. Identifiers: MedGen C0950123, MeSH D030342.

Allele frequency attached by ClinVar (database versions not stated): gnomAD exomes below 0.00001; TOPMed 0.00002; ExAC 0.00001.

Submissions (2):

Labcorp Genetics (formerly Invitae), Labcorp
Classification: Uncertain significance. Last evaluated: 2025-09-01. Review status: criteria provided, single submitter. Criteria: Invitae Variant Classification Sherloc (09022015). Collection method: clinical testing. Allele origin: germline.
Comment: This sequence change replaces arginine, which is basic and polar, with lysine, which is basic and polar, at codon 701 of the RP1 protein (p.Arg701Lys). This variant is present in population databases (rs779998803, gnomAD 0.0009%). This variant has not been reported in the literature in individuals affected with RP1-related conditions. ClinVar contains an entry for this variant (Variation ID: 1977414). An algorithm developed to predict the effect of missense changes on protein structure and function outputs the following: PolyPhen-2: "Benign". The lysine amino acid residue is found in multiple mammalian species, which suggests that this missense change does not adversely affect protein function. In summary, the available evidence is currently insufficient to determine the role of this variant in disease. Therefore, it has been classified as a Variant of Uncertain Significance.

Ambry Genetics
Classification: Likely benign for Inborn genetic diseases. Last evaluated: 2025-08-28. Review status: criteria provided, single submitter. Criteria: Ambry Variant Classification Scheme 2023. Collection method: clinical testing. Allele origin: germline.

NM_006269.2(RP1):c.2102G>A (p.Arg701Lys)

Gene: RP1 (RP1 axonemal microtubule associated; plus strand). Cytogenetic location: 8q12.1.
Variant type: single nucleotide variant.
Coding change: c.2102G>A on transcript NM_006269.2 (MANE Select); coding-DNA position 2102, G replaced by A.
Protein change: p.Arg701Lys; replaces arginine 701 with lysine.
Molecular consequence: missense variant. On other transcripts: intron variant (1).
Genome position (GRCh38, 1-based): chr8:54,625,984, G>A. VCF-style: chr8-54625984-G-A. GRCh37 (hg19) VCF-style: chr8-55538544-G-A.
Other names: c.787+3696G>A (NM_001375654.1); c.2102G>A (NM_006269.1); short protein forms R701K.
Identifiers: ClinVar variation 1977414 (VCV001977414.6), dbSNP rs779998803, ClinGen allele CA4751478.